The following is an entry in ClinVar:

NM_138927.4(SON):c.968CAA[2] (p.Thr325del)

Gene: SON (SON DNA and RNA binding protein; plus strand). Cytogenetic location: 21q22.11.
Variant type: Microsatellite.
Coding change: c.968CAA[2] on transcript NM_138927.4 (MANE Select); two copies in a row of the 3-base unit CAA starting at c.968; the reference has three copies in a row; one copy, 3 bases deleted.
Protein change: p.Thr325del; deletes threonine 325.
Molecular consequence: inframe deletion. On other transcripts: non-coding transcript variant (1), intron variant (1).
Genome position (GRCh38, 1-based): chr21:33,550,205-33,550,207, CAA deleted; deleting any 3 consecutive bases within chr21:33,550,199-33,550,207 gives the same sequence; the position shown is the placement nearest the transcript's 3' end. VCF-style (leftmost placement, unchanged base first): chr21-33550198-TCAA-T. GRCh37 (hg19) VCF-style: chr21-34922504-TCAA-T.
Other names: c.974_976delCAA (NM_138927.4); c.968CAA[2], p.Thr325del (NM_001291411.2, NM_032195.3); c.244+3820CAA[2] (NM_001291412.3); short protein forms T325del.
Identifiers: ClinVar variation 4688237 (VCV004688237.1).

ClinVar aggregate classification (germline): Uncertain significance (1 of 4 stars; one submission).

Submission:

Women's Health and Genetics/Laboratory Corporation of America, LabCorp
Classification: Uncertain significance. Last evaluated: 2025-12-17. Review status: criteria provided, single submitter. Criteria: LabCorp Variant Classification Summary - May 2015. Collection method: clinical testing. Allele origin: germline.
Comment: Variant summary: SON c.974_976delCAA (p.Thr325del) results in an in-frame deletion that is predicted to remove one amino acid from the encoded protein. The variant was absent in 251476 control chromosomes (gnomAD). The available data on variant occurrences in the general population are insufficient to allow any conclusion about variant significance. To our knowledge, no occurrence of c.974_976delCAA in individuals affected with SON-related conditions and no experimental evidence demonstrating its impact on protein function have been reported. No submitters have cited clinical-significance assessments for this variant to ClinVar. Based on the evidence outlined above, the variant was classified as uncertain significance.